The following is an entry in ClinVar:

ClinVar aggregate classification (germline): Likely benign. Review status: criteria provided, multiple submitters, no conflicts (2 of 4 stars). 2 submissions from 2 submitters: Likely benign (2). Last evaluated 2025-08-01.

Conditions:
MAPK8IP3-related disorder. Also called: MAPK8IP3-related condition.

Allele frequency attached by ClinVar (database versions not stated): gnomAD exomes 0.00013; ExAC 0.00018; ESP Exome Variant Server 0.00024; gnomAD 0.00024; TOPMed 0.00026.
gnomAD v4.1: 220 of 1,612,292 alleles (0.014%); highest among the groups gnomAD compares: African/African-American, 0.051%; no homozygotes.

Submissions (2):

CeGaT Center for Human Genetics Tuebingen
Classification: Likely benign. Last evaluated: 2025-08-01. Review status: criteria provided, single submitter. Criteria: CeGaT Center For Human Genetics Tuebingen Variant Classification Criteria Version 2. Collection method: clinical testing. Allele origin: germline. Affected: yes. Observed: 3 variant alleles.
Comment: MAPK8IP3: BP4, BP7

PreventionGenetics, part of Exact Sciences
Classification: Likely benign for MAPK8IP3-related condition. Last evaluated: 2024-11-18. Review status: criteria provided, single submitter. Criteria: ACMG Guidelines, 2015. Collection method: clinical testing. Allele origin: germline.
Comment: This variant is classified as likely benign based on ACMG/AMP sequence variant interpretation guidelines (Richards et al. 2015 PMID: 25741868, with internal and published modifications).

NM_001318852.2(MAPK8IP3):c.2886G>A (p.Thr962=)

Gene: MAPK8IP3 (mitogen-activated protein kinase 8 interacting protein 3; plus strand). Cytogenetic location: 16p13.3.
Variant type: single nucleotide variant.
Coding change: c.2886G>A on transcript NM_001318852.2 (MANE Select); coding-DNA position 2886, G replaced by A.
Protein change: p.Thr962=; no amino-acid change (threonine 962 retained).
Molecular consequence: synonymous variant.
Genome position (GRCh38, 1-based): chr16:1,766,595, G>A. VCF-style: chr16-1766595-G-A. GRCh37 (hg19) VCF-style: chr16-1816596-G-A.
Other names: c.2865G>A, p.Thr955= (NM_001040439.2); c.2883G>A, p.Thr961= (NM_015133.5); c.2886G>A (NM_001318852.1).
Identifiers: ClinVar variation 1675603 (VCV001675603.26), dbSNP rs200127840, ClinGen allele CA7817453.